The following is an entry in ClinVar:

NM_000318.3(PEX2):c.610_611del (p.Leu204fs)

Gene: PEX2 (peroxisomal biogenesis factor 2; minus strand). Cytogenetic location: 8q21.13.
Variant type: Deletion.
Coding change: c.610_611del on transcript NM_000318.3 (MANE Select); coding-DNA positions 610 to 611, 2 bases deleted (CT; older notation c.610_611delCT).
Protein change: p.Leu204fs; shifts the reading frame from leucine 204.
Molecular consequence: frameshift variant.
Genome position (GRCh38, 1-based): chr8:76,983,568-76,983,569, AG deleted on the plus strand (CT on the coding strand, the reverse complement: PEX2 is on the minus strand); deleting any 2 consecutive bases within chr8:76,983,568-76,983,570 gives the same sequence; the c. name uses the placement nearest the transcript's 3' end. VCF-style (leftmost placement, unchanged base first): chr8-76983567-CAG-C. GRCh37 (hg19) VCF-style: chr8-77895803-CAG-C.
Other names: c.610_611del (NM_000318.2); c.610_611delCT (NM_000318.2); c.610_611del, p.Leu204fs (NM_001079867.2, NM_001172086.2, NM_001172087.2); short protein forms L204fs.
Identifiers: ClinVar variation 2135359 (VCV002135359.8), dbSNP rs2487451205, ClinGen allele CA2580078952.

ClinVar aggregate classification (germline): Pathogenic/Likely pathogenic. Review status: criteria provided, multiple submitters, no conflicts (2 of 4 stars). 4 submissions from 4 submitters: Pathogenic (1); Likely pathogenic (3). Last evaluated 2025-06-13.

Conditions:
Zellweger spectrum disorders (ZS). Also called: Zellweger syndrome; Zellweger Spectrum Disorder (ZSD); Zellweger Spectrum Disorder; Zellweger Spectrum. Identifiers: Orphanet 912, MedGen C0043459, MONDO:0019609.
Peroxisome biogenesis disorder 5A (Zellweger) (PBD5A). Identifiers: Orphanet 912, MedGen C3553940, MONDO:0013932, OMIM 614866.
PEX2-related disorder. Also called: PEX2-related condition.

Submissions (4):

Natera, Inc.
Classification: Likely pathogenic for Zellweger syndrome. Last evaluated: 2025-06-13. Review status: criteria provided, single submitter. Criteria: Natera Variant Classification Schema (03/2026). Collection method: clinical testing. Allele origin: germline.
Comment: The c.610_611delCT variant in PEX2 is a frameshift variant predicted to shift the reading frame beginning at codon 204 and leads to a stop codon 28 codons downstream. This variant is expected to result in nonsense mediated decay, truncation, or a dysfunctional protein product. This variant is rare in the general population with a frequency below the threshold expected for the associated phenotype(s). Given the available evidence, this variant is classified as Likely Pathogenic.

PreventionGenetics, part of Exact Sciences
Classification: Likely pathogenic for PEX2-related condition. Last evaluated: 2025-05-28. Review status: criteria provided, single submitter. Criteria: ACMG Guidelines, 2015. Collection method: clinical testing. Allele origin: germline.
Comment: The PEX2 c.610_611delCT variant is predicted to result in a frameshift and premature protein termination (p.Leu204Aspfs*28). This variant was not reported in the literature or in a large population database (gnomAD), indicating this variant is rare. Although this variant is not expected to result in nonsense mediated decay, it is located in a region where other loss of function variants have been reported (Shimozawa et al. 2000. PubMed ID: 10652207). Frameshift variants in PEX2 are expected to be pathogenic. This variant This variant is interpreted as likely pathogenic.

Baylor Genetics
Classification: Likely pathogenic for Peroxisome biogenesis disorder 5A (Zellweger). Last evaluated: 2024-03-30. Review status: criteria provided, single submitter. Criteria: ACMG Guidelines, 2015. Collection method: clinical testing. Allele origin: unknown.

Labcorp Genetics (formerly Invitae), Labcorp
Classification: Pathogenic for Peroxisome biogenesis disorder 5A (Zellweger). Last evaluated: 2024-01-11. Review status: criteria provided, single submitter. Criteria: Invitae Variant Classification Sherloc (09022015). Collection method: clinical testing. Allele origin: germline.
Comment: This sequence change creates a premature translational stop signal (p.Leu204Aspfs*28) in the PEX2 gene. While this is not anticipated to result in nonsense mediated decay, it is expected to disrupt the last 102 amino acid(s) of the PEX2 protein. This variant is not present in population databases (gnomAD no frequency). This variant has not been reported in the literature in individuals affected with PEX2-related conditions. ClinVar contains an entry for this variant (Variation ID: 2135359). This variant disrupts a region of the PEX2 protein in which other variant(s) (p.Lys215Serfs*2) have been determined to be pathogenic (PMID: 10652207; Invitae). This suggests that this is a clinically significant region of the protein, and that variants that disrupt it are likely to be disease-causing. For these reasons, this variant has been classified as Pathogenic.

Literature cited by the submitters: PubMed 10652207 (cited by Labcorp Genetics (formerly Invitae), Labcorp).